The following is an entry in ClinVar:

ClinVar aggregate classification (germline): Uncertain significance (1 of 4 stars; one submission).

Conditions:
Epidermolysis bullosa simplex 4, localized or generalized intermediate, autosomal recessive. Also called: Epidermolysis bullosa, nonspecific, autosomal recessive. Identifiers: Orphanet 412189, MedGen C3554367, MONDO:0014014, OMIM 615028.

Submission:

Juno Genomics, Hangzhou Juno Genomics, Inc
Classification: Uncertain significance for Epidermolysis bullosa simplex 4, localized or generalized intermediate, autosomal recessive. Review status: criteria provided, single submitter. Criteria: ACMG Guidelines, 2015. Collection method: clinical testing. Allele origin: germline.
Comment: Null variant in a gene where loss of function (LOF) is a known mechanism of disease.;Absent from controls (or at extremely low frequency if recessive) in Genome Aggregation Database.

NM_015065.3(EXPH5):c.1382del (p.Phe461fs)

Gene: EXPH5 (exophilin 5; minus strand). Cytogenetic location: 11q22.3.
Variant type: Deletion.
Coding change: c.1382del on transcript NM_015065.3 (MANE Select); coding-DNA position 1382, one base deleted (T; older notation c.1382delT).
Protein change: p.Phe461fs; shifts the reading frame from phenylalanine 461.
Molecular consequence: frameshift variant.
Genome position (GRCh38, 1-based): chr11:108,514,125, A deleted on the plus strand (T on the coding strand, the reverse complement: EXPH5 is on the minus strand); the first of 3 consecutive A bases (chr11:108,514,125-108,514,127); deleting any one gives the same sequence. VCF-style (leftmost placement, unchanged base first): chr11-108514124-GA-G. GRCh37 (hg19) VCF-style: chr11-108384851-GA-G.
Other names: c.1154del, p.Phe385fs (NM_001144763.2, NM_001441061.1, NM_001441067.1 and 5 more transcripts); c.914del, p.Phe305fs (NM_001144764.2); c.818del, p.Phe273fs (NM_001144765.2); c.1361del, p.Phe454fs (NM_001308019.2); c.1379del, p.Phe460fs (NM_001441059.1); c.1358del, p.Phe453fs (NM_001441060.1); c.1151del, p.Phe384fs (NM_001441073.1, NM_001441074.1, NM_001441075.1); c.911del, p.Phe304fs (NM_001441076.1); short protein forms F304fs, F305fs, F385fs, F460fs, F461fs, F384fs, F273fs, F453fs.
Identifiers: ClinVar variation 5007774 (VCV005007774.2).